The following is an entry in ClinVar:

ClinVar aggregate classification (germline): Uncertain significance (1 of 4 stars; one submission).

Conditions:
Dyskeratosis congenita, autosomal dominant 2. Identifiers: MedGen C3151443, MONDO:0013521, OMIM 613989.
Idiopathic Pulmonary Fibrosis. Also called: Idiopathic fibrosing alveolitis, chronic form; idiopathic fibrosing alveolitis. Identifiers: Orphanet 2032, MedGen C1800706, MeSH D054990, MONDO:0800504.

Submission:

Labcorp Genetics (formerly Invitae), Labcorp
Classification: Uncertain significance for Dyskeratosis congenita, autosomal dominant 2; Idiopathic Pulmonary Fibrosis. Last evaluated: 2024-02-24. Review status: criteria provided, single submitter. Criteria: Invitae Variant Classification Sherloc (09022015). Collection method: clinical testing. Allele origin: germline.
Comment: This sequence change replaces arginine, which is basic and polar, with glutamine, which is neutral and polar, at codon 224 of the TERT protein (p.Arg224Gln). Information on the frequency of this variant in the gnomAD database is not available, as this variant may be reported differently in the database. This variant has not been reported in the literature in individuals affected with TERT-related conditions. ClinVar contains an entry for this variant (Variation ID: 1519667). An algorithm developed to predict the effect of missense changes on protein structure and function (PolyPhen-2) suggests that this variant is likely to be disruptive. In summary, the available evidence is currently insufficient to determine the role of this variant in disease. Therefore, it has been classified as a Variant of Uncertain Significance.

NM_198253.3(TERT):c.671_672delinsAA (p.Arg224Gln)

Gene: TERT (telomerase reverse transcriptase; minus strand). Cytogenetic location: 5p15.33.
Variant type: Indel.
Coding change: c.671_672delinsAA on transcript NM_198253.3 (MANE Select); coding-DNA positions 671 to 672, GC replaced by AA.
Protein change: p.Arg224Gln; replaces arginine 224 with glutamine.
Molecular consequence: missense variant. On other transcripts: non-coding transcript variant (2).
Genome position (GRCh38, 1-based): chr5:1,294,214-1,294,215, GC replaced by TT on the plus strand (GC replaced by AA on the coding strand, the reverse complement: TERT is on the minus strand). VCF-style: chr5-1294214-GC-TT. GRCh37 (hg19) VCF-style: chr5-1294329-GC-TT.
Other names: c.671_672delinsAA, p.Arg224Gln (NM_001193376.3); short protein forms R224Q.
Identifiers: ClinVar variation 1519667 (VCV001519667.8), dbSNP rs2126688443, ClinGen allele CA2573138414.
Genomic context (GRCh38, chr5:1,294,214, plus strand): 5'-AGGGGCAGCGCCACGCCTGGGCCTCTTGGGCAACGGCAGACTTCGGCTGGCACTGCCCCC[GC>TT]GCCTCCTCGCACCCGGGGCTGGCAGGCCCAGGGGGACCCCGGCCTCCCTGACGCTATGGT-3'
Protein context (NP_937983.2, residues 214-234): LGLPAPGARR[Arg224Gln]GGSASRSLPL